The following is an entry in ClinVar:

NM_004369.4(COL6A3):c.1057A>G (p.Ile353Val)

Gene: COL6A3 (collagen type VI alpha 3 chain; minus strand). Cytogenetic location: 2q37.3.
Variant type: single nucleotide variant.
Coding change: c.1057A>G on transcript NM_004369.4 (MANE Select); coding-DNA position 1057, A replaced by G.
Protein change: p.Ile353Val; replaces isoleucine 353 with valine.
Molecular consequence: missense variant. On other transcripts: intron variant (2).
Genome position (GRCh38, 1-based): chr2:237,387,837, T>C on the plus strand (A>G on the coding strand, the complement: COL6A3 is on the minus strand). VCF-style: chr2-237387837-T-C. GRCh37 (hg19) VCF-style: chr2-238296480-T-C.
Other names: c.439A>G, p.Ile147Val (NM_057165.5, NM_057167.4); c.92-6338A>G (NM_057166.5, NM_057164.5); short protein forms I147V, I353V.
Identifiers: ClinVar variation 1303436 (VCV001303436.4), dbSNP rs2078187494, ClinGen allele CA351222232.

ClinVar aggregate classification (germline): Uncertain significance. Review status: criteria provided, multiple submitters, no conflicts (2 of 4 stars). 2 submissions from 2 submitters: Uncertain significance (2). Last evaluated 2022-04-08.

Conditions:
Inborn genetic diseases. Identifiers: MedGen C0950123, MeSH D030342.

Allele frequency attached by ClinVar (database versions not stated): TOPMed below 0.00001; gnomAD 0.00001.

Submissions (2):

Ambry Genetics
Classification: Uncertain significance for Inborn genetic diseases. Last evaluated: 2022-04-08. Review status: criteria provided, single submitter. Criteria: Ambry Variant Classification Scheme 2023. Collection method: clinical testing. Allele origin: germline.

GeneDx
Classification: Uncertain significance. Last evaluated: 2019-04-15. Review status: criteria provided, single submitter. Criteria: GeneDx Variant Classification Process June 2021. Collection method: clinical testing. Allele origin: germline. Affected: yes.
Comment: Not observed in large population cohorts (Lek et al., 2016); In silico analysis, which includes splice predictors and evolutionary conservation, suggests this variant may impact gene splicing. In the absence of RNA/functional studies, the actual effect of this sequence change is unknown.; In silico analysis, which includes protein predictors and evolutionary conservation, supports that this variant does not alter protein structure/function; Has not been previously published as pathogenic or benign to our knowledge